The following is an entry in ClinVar:

NM_001377405.1(ATXN7):c.2451C>A (p.Asn817Lys)

Gene: ATXN7 (ataxin 7; plus strand). Cytogenetic location: 3p14.1.
Variant type: single nucleotide variant.
Coding change: c.2451C>A on transcript NM_001377405.1 (MANE Select); coding-DNA position 2451, C replaced by A.
Protein change: p.Asn817Lys; replaces asparagine 817 with lysine.
Molecular consequence: missense variant.
Genome position (GRCh38, 1-based): chr3:63,996,273, C>A. VCF-style: chr3-63996273-C-A. GRCh37 (hg19) VCF-style: chr3-63981949-C-A.
Other names: c.2451C>A, p.Asn817Lys (NM_000333.4, NM_001177387.1, NM_001377406.1); c.2016C>A, p.Asn672Lys (NM_001128149.3); short protein forms N672K, N817K.
Identifiers: ClinVar variation 3051323 (VCV003051323.2), dbSNP rs187043098, ClinGen allele CA2478848.

ClinVar aggregate classification (germline): Likely benign (0 of 4 stars; one submission).

Conditions:
ATXN7-related disorder. Also called: ATXN7-related condition.

Allele frequency attached by ClinVar (database versions not stated): ExAC 0.00013; gnomAD 0.00021; TOPMed 0.00036; 1000 Genomes Project 0.00100; 1000 Genomes Project 30x 0.00109.
gnomAD v4.1: 121 of 1,614,182 alleles (0.0075%); highest among the groups gnomAD compares: Admixed American, 0.14%; no homozygotes.

Submission:

PreventionGenetics, part of Exact Sciences
Classification: Likely benign for ATXN7-related condition. Last evaluated: 2022-08-02. Review status: no assertion criteria provided. Collection method: clinical testing. Allele origin: germline.
Comment: This variant is classified as likely benign based on ACMG/AMP sequence variant interpretation guidelines (Richards et al. 2015 PMID: 25741868, with internal and published modifications).